The following is an entry in ClinVar:

ClinVar aggregate classification (germline): Uncertain significance (1 of 4 stars; one submission).

Conditions:
Cardiovascular phenotype. Identifiers: MedGen CN230736.
Hereditary cancer-predisposing syndrome. Also called: Neoplastic Syndromes, Hereditary; Tumor predisposition; Hereditary Cancer Syndrome; Hereditary neoplastic syndrome. Identifiers: Orphanet 140162, MedGen C0027672, MeSH D009386, MONDO:0015356.

Submission:

Ambry Genetics
Classification: Uncertain significance for Cardiovascular phenotype; Hereditary cancer-predisposing syndrome. Last evaluated: 2026-05-22. Review status: criteria provided, single submitter. Criteria: Ambry Variant Classification Scheme 2023. Collection method: clinical testing. Allele origin: germline.
Comment: The p.E517D variant (also known as c.1551A>C), located in coding exon 14 of the NF1 gene, results from an A to C substitution at nucleotide position 1551. The glutamic acid at codon 517 is replaced by aspartic acid, an amino acid with highly similar properties. This amino acid position is well conserved in available vertebrate species. In addition, this alteration is predicted to be tolerated by in silico analysis. Based on the available evidence, the clinical significance of this variant remains unclear.

NM_001042492.3(NF1):c.1551A>C (p.Glu517Asp)

Gene: NF1 (neurofibromin 1; plus strand). Cytogenetic location: 17q11.2.
Variant type: single nucleotide variant.
Coding change: c.1551A>C on transcript NM_001042492.3 (MANE Select); coding-DNA position 1551, A replaced by C.
Protein change: p.Glu517Asp; replaces glutamic acid 517 with aspartic acid.
Molecular consequence: missense variant.
Genome position (GRCh38, 1-based): chr17:31,219,028, A>C. VCF-style: chr17-31219028-A-C. GRCh37 (hg19) VCF-style: chr17-29546046-A-C.
Other names: c.1551A>C, p.Glu517Asp (NM_001128147.3, NM_000267.4); short protein forms E517D.
Identifiers: ClinVar variation 1775061 (VCV001775061.3), dbSNP rs2544840433, ClinGen allele CA399001861.